The following is an entry in ClinVar:

NM_170675.5(MEIS2):c.889C>T (p.Gln297Ter)

Gene: MEIS2 (Meis homeobox 2; minus strand). Cytogenetic location: 15q14.
Variant type: single nucleotide variant.
Coding change: c.889C>T on transcript NM_170675.5 (MANE Select); coding-DNA position 889, C replaced by T.
Protein change: p.Gln297Ter; replaces glutamine 297 with a stop codon.
Molecular consequence: nonsense. On other transcripts: non-coding transcript variant (1).
Genome position (GRCh38, 1-based): chr15:37,036,825, G>A on the plus strand (C>T on the coding strand, the complement: MEIS2 is on the minus strand). VCF-style: chr15-37036825-G-A. GRCh37 (hg19) VCF-style: chr15-37329026-G-A.
Other names: c.889C>T, p.Gln297Ter (NM_001220482.2, NM_170674.5, NM_170676.5 and 1 more transcripts); c.850C>T, p.Gln284Ter (NM_002399.4, NM_172315.3); c.625C>T, p.Gln209Ter (NM_172316.3); short protein forms Q209*, Q284*, Q297*.
Identifiers: ClinVar variation 3600577 (VCV003600577.1).

ClinVar aggregate classification (germline): Pathogenic (1 of 4 stars; one submission).

Submission:

GeneDx
Classification: Pathogenic. Last evaluated: 2024-07-25. Review status: criteria provided, single submitter. Criteria: GeneDx Variant Classification Process June 2021. Collection method: clinical testing. Allele origin: germline. Affected: yes.
Comment: Nonsense variant predicted to result in protein truncation or nonsense mediated decay in a gene for which loss of function is a known mechanism of disease; Not observed at significant frequency in large population cohorts (gnomAD); Has not been previously published as pathogenic or benign to our knowledge